The following is an entry in ClinVar:

ClinVar aggregate classification (germline): Uncertain significance (1 of 4 stars; one submission).

Allele frequency attached by ClinVar (database versions not stated): gnomAD exomes below 0.00001.
gnomAD v4.1: 1 of 1,613,744 alleles (0.000062%); highest among the groups gnomAD compares: African/African-American, 0.0013%; no homozygotes.

Submission:

Labcorp Genetics (formerly Invitae), Labcorp
Classification: Uncertain significance. Last evaluated: 2020-07-12. Review status: criteria provided, single submitter. Criteria: Invitae Variant Classification Sherloc (09022015). Collection method: clinical testing. Allele origin: germline.
Comment: This sequence change replaces leucine with phenylalanine at codon 678 of the MSH3 protein (p.Leu678Phe). The leucine residue is moderately conserved and there is a small physicochemical difference between leucine and phenylalanine. This variant is not present in population databases (ExAC no frequency). This variant has not been reported in the literature in individuals with MSH3-related conditions. Algorithms developed to predict the effect of missense changes on protein structure and function are either unavailable or do not agree on the potential impact of this missense change (SIFT: "Deleterious"; PolyPhen-2: "Benign"; Align-GVGD: "Class C0"). In summary, the available evidence is currently insufficient to determine the role of this variant in disease. Therefore, it has been classified as a Variant of Uncertain Significance.

NM_002439.5(MSH3):c.2032C>T (p.Leu678Phe)

Gene: MSH3 (mutS homolog 3; plus strand). Cytogenetic location: 5q14.1.
Variant type: single nucleotide variant.
Coding change: c.2032C>T on transcript NM_002439.5 (MANE Select); coding-DNA position 2032, C replaced by T.
Protein change: p.Leu678Phe; replaces leucine 678 with phenylalanine.
Molecular consequence: missense variant.
Genome position (GRCh38, 1-based): chr5:80,768,068, C>T. VCF-style: chr5-80768068-C-T. GRCh37 (hg19) VCF-style: chr5-80063887-C-T.
Other names: short protein forms L678F.
Identifiers: ClinVar variation 1056857 (VCV001056857.9), dbSNP rs2112884480, ClinGen allele CA360277823.